The following is an entry in ClinVar:

ClinVar aggregate classification (germline): Uncertain significance (1 of 4 stars; one submission).

Submission:

Labcorp Genetics (formerly Invitae), Labcorp
Classification: Uncertain significance. Last evaluated: 2022-07-27. Review status: criteria provided, single submitter. Criteria: Invitae Variant Classification Sherloc (09022015). Collection method: clinical testing. Allele origin: germline.
Comment: This sequence change replaces asparagine, which is neutral and polar, with isoleucine, which is neutral and non-polar, at codon 689 of the ADAM9 protein (p.Asn689Ile). This variant is not present in population databases (gnomAD no frequency). This variant has not been reported in the literature in individuals affected with ADAM9-related conditions. Algorithms developed to predict the effect of missense changes on protein structure and function are either unavailable or do not agree on the potential impact of this missense change (SIFT: "Deleterious"; PolyPhen-2: "Benign"; Align-GVGD: "Class C15"). Algorithms developed to predict the effect of sequence changes on RNA splicing suggest that this variant may disrupt the consensus splice site. In summary, the available evidence is currently insufficient to determine the role of this variant in disease. Therefore, it has been classified as a Variant of Uncertain Significance.

NM_003816.3(ADAM9):c.2066A>T (p.Asn689Ile)

Gene: ADAM9 (ADAM metallopeptidase domain 9; plus strand). Cytogenetic location: 8p11.22.
Variant type: single nucleotide variant.
Coding change: c.2066A>T on transcript NM_003816.3 (MANE Select); coding-DNA position 2066, A replaced by T.
Protein change: p.Asn689Ile; replaces asparagine 689 with isoleucine.
Molecular consequence: missense variant. On other transcripts: non-coding transcript variant (1).
Genome position (GRCh38, 1-based): chr8:39,083,071, A>T. VCF-style: chr8-39083071-A-T. GRCh37 (hg19) VCF-style: chr8-38940590-A-T.
Other names: short protein forms N689I.
Identifiers: ClinVar variation 1713923 (VCV001713923.5), dbSNP rs2536378922, ClinGen allele CA370747973.